The following is an entry in ClinVar:

ClinVar aggregate classification (germline): Pathogenic/Likely pathogenic. Review status: criteria provided, multiple submitters, no conflicts (2 of 4 stars). 5 submissions from 5 submitters: Pathogenic (4); Likely pathogenic (1). Last evaluated 2024-11-26.

Conditions:
CHEK2-related disorder.
Hereditary cancer-predisposing syndrome. Also called: Tumor predisposition; Neoplastic Syndromes, Hereditary; Hereditary neoplastic syndrome; Hereditary Cancer Syndrome. Identifiers: Orphanet 140162, MedGen C0027672, MeSH D009386, MONDO:0015356.
Familial cancer of breast. Also called: Hereditary breast cancer; BREAST CANCER, FAMILIAL; hereditary breast carcinoma. Identifiers: Orphanet 227535, MedGen C0346153, MONDO:0016419, OMIM 114480. Disease mechanism: loss of function.

Submissions (5):

Labcorp Genetics (formerly Invitae), Labcorp
Classification: Pathogenic for Familial cancer of breast. Last evaluated: 2024-11-26. Review status: criteria provided, single submitter. Criteria: Invitae Variant Classification Sherloc (09022015). Collection method: clinical testing. Allele origin: germline.
Comment: This sequence change creates a premature translational stop signal (p.Leu348*) in the CHEK2 gene. It is expected to result in an absent or disrupted protein product. Loss-of-function variants in CHEK2 are known to be pathogenic (PMID: 21876083, 24713400). This variant is not present in population databases (gnomAD no frequency). This variant has not been reported in the literature in individuals affected with CHEK2-related conditions. ClinVar contains an entry for this variant (Variation ID: 921230). For these reasons, this variant has been classified as Pathogenic.

Blueprint Genetics
Classification: Likely pathogenic for CHEK2-related disorders. Last evaluated: 2024-11-22. Review status: criteria provided, single submitter. Criteria: ACMG Guidelines, 2015. Collection method: clinical testing. Allele origin: germline. Affected: yes. Observed: 1 variant allele.

Myriad Genetics, Inc.
Classification: Pathogenic for Familial cancer of breast. Last evaluated: 2023-06-27. Review status: criteria provided, single submitter. Criteria: Myriad Autosomal Dominant, Autosomal Recessive and X-Linked Classification Criteria (2023). Collection method: clinical testing. Allele origin: unknown.
Comment: This variant is considered pathogenic. This variant creates a termination codon and is predicted to result in premature protein truncation.

Ambry Genetics
Classification: Pathogenic for Hereditary cancer-predisposing syndrome. Last evaluated: 2022-04-07. Review status: criteria provided, single submitter. Criteria: Ambry Variant Classification Scheme 2023. Collection method: clinical testing. Allele origin: germline.
Comment: The p.L348* pathogenic mutation (also known as c.1043T>G), located in coding exon 9 of the CHEK2 gene, results from a T to G substitution at nucleotide position 1043. This changes the amino acid from a leucine to a stop codon within coding exon 9. This variant is considered to be rare based on population cohorts in the Genome Aggregation Database (gnomAD). This alteration is expected to result in loss of function by premature protein truncation or nonsense-mediated mRNA decay. As such, this alteration is interpreted as a disease-causing mutation.

Color Diagnostics, LLC DBA Color Health
Classification: Pathogenic for Hereditary cancer-predisposing syndrome. Last evaluated: 2019-12-13. Review status: criteria provided, single submitter. Criteria: ACMG Guidelines, 2015. Collection method: clinical testing. Allele origin: germline.
Comment: This variant changes 1 nucleotide in exon 10 of the CHEK2 gene, creating a premature translation stop signal. This variant is expected to result in an absent or non-functional protein product. Splice site prediction tools suggest that this variant may not impact RNA splicing. To our knowledge, functional studies have not been performed for this variant. This variant has not been reported in individuals affected with hereditary cancer in the literature. This variant has not been identified in the general population by the Genome Aggregation Database (gnomAD). Loss of CHEK2 function is a known mechanism of disease. Based on the available evidence, this variant is classified as Pathogenic.

Literature cited by the submitters: PubMed 21876083 (cited by Labcorp Genetics (formerly Invitae), Labcorp); PubMed 24713400 (cited by Labcorp Genetics (formerly Invitae), Labcorp).

NM_007194.4(CHEK2):c.1043T>G (p.Leu348Ter)

Gene: CHEK2 (checkpoint kinase 2; minus strand). Cytogenetic location: 22q12.1.
Variant type: single nucleotide variant.
Coding change: c.1043T>G on transcript NM_007194.4 (MANE Select); coding-DNA position 1043, T replaced by G.
Protein change: p.Leu348Ter; replaces leucine 348 with a stop codon.
Molecular consequence: nonsense. On other transcripts: intron variant (3).
Genome position (GRCh38, 1-based): chr22:28,696,953, A>C on the plus strand (T>G on the coding strand, the complement: CHEK2 is on the minus strand). VCF-style: chr22-28696953-A-C. GRCh37 (hg19) VCF-style: chr22-29092941-A-C.
Other names: c.1172T>G, p.Leu391Ter (NM_001005735.3); c.380T>G, p.Leu127Ter (NM_001257387.3, NM_001437942.1); c.842T>G, p.Leu281Ter (NM_001349956.3); c.1136T>G, p.Leu379Ter (NM_001438293.1); c.1009-1080T>G (NM_145862.3); c.1102-1080T>G (NM_001438295.1); c.1138-1080T>G (NM_001438294.1); short protein forms L127*, L281*, L348*, L391*, L379*.
Identifiers: ClinVar variation 921230 (VCV000921230.16), dbSNP rs878854908, ClinGen allele CA411097708.